The following is an entry in ClinVar:

ClinVar aggregate classification (germline): Conflicting classifications of pathogenicity. Review status: criteria provided, conflicting classifications (1 of 4 stars). 3 submissions from 3 submitters: Uncertain significance (2); Likely benign (1). Last evaluated 2024-09-03.

Conditions:
Meckel-Gruber syndrome. Also called: Dysencephalia splachnocystica; DYSENCEPHALIA SPLANCHNOCYSTICA; GRUBER SYNDROME. Identifiers: Orphanet 564, MedGen C0265215, MONDO:0018921.
Joubert syndrome. Also called: Familial aplasia of the vermis; JOUBERT-BOLTSHAUSER SYNDROME. Identifiers: Orphanet 475, MedGen C5979921, MONDO:0018772.

Allele frequency attached by ClinVar (database versions not stated): gnomAD exomes 0.00002 and 0.00003; ExAC 0.00003; gnomAD 0.00006 and 0.00007; TOPMed 0.00006; 1000 Genomes Project 30x 0.00031; 1000 Genomes Project 0.00040.
gnomAD v4.1: 25 of 1,592,814 alleles (0.0016%); highest among the groups gnomAD compares: African/African-American, 0.016%; 1 homozygote.

Submissions (3):

Women's Health and Genetics/Laboratory Corporation of America, LabCorp
Classification: Uncertain significance. Last evaluated: 2024-09-03. Review status: criteria provided, single submitter. Criteria: LabCorp Variant Classification Summary - May 2015. Collection method: clinical testing. Allele origin: germline.

Labcorp Genetics (formerly Invitae), Labcorp
Classification: Uncertain significance for Joubert syndrome; Meckel-Gruber syndrome. Last evaluated: 2022-09-01. Review status: criteria provided, single submitter. Criteria: Invitae Variant Classification Sherloc (09022015). Collection method: clinical testing. Allele origin: germline.
Comment: This sequence change falls in intron 14 of the CC2D2A gene. It does not directly change the encoded amino acid sequence of the CC2D2A protein. It affects a nucleotide within the consensus splice site. This variant is present in population databases (rs574767203, gnomAD 0.03%). This variant has not been reported in the literature in individuals affected with CC2D2A-related conditions. ClinVar contains an entry for this variant (Variation ID: 968921). Variants that disrupt the consensus splice site are a relatively common cause of aberrant splicing (PMID: 17576681, 9536098). Algorithms developed to predict the effect of sequence changes on RNA splicing suggest that this variant is not likely to affect RNA splicing. In summary, the available evidence is currently insufficient to determine the role of this variant in disease. Therefore, it has been classified as a Variant of Uncertain Significance.

Blueprint Genetics
Classification: Likely benign. Last evaluated: 2022-06-10. Review status: criteria provided, single submitter. Criteria: ACMG Guidelines, 2015. Collection method: clinical testing. Allele origin: germline.

Literature cited by the submitters: PubMed 17576681 (cited by Labcorp Genetics (formerly Invitae), Labcorp); PubMed 9536098 (cited by Labcorp Genetics (formerly Invitae), Labcorp).

NM_001378615.1(CC2D2A):c.1466+3G>A

Genes: CC2D2A (coiled-coil and C2 domain containing 2A; plus strand), FBXL5 (F-box and leucine rich repeat protein 5; minus strand). Cytogenetic location: 4p15.32.
Variant type: single nucleotide variant.
Coding change: c.1466+3G>A on transcript NM_001378615.1 (MANE Select); 3 bases into the intron after coding-DNA position 1466, G replaced by A.
Molecular consequence: intron variant.
Genome position (GRCh38, 1-based): chr4:15,528,729, G>A. VCF-style: chr4-15528729-G-A. GRCh37 (hg19) VCF-style: chr4-15530352-G-A.
Other names: c.1466+3G>A (NM_001080522.2); c.1319+3G>A (NM_001378617.1).
Identifiers: ClinVar variation 968921 (VCV000968921.7), dbSNP rs574767203, ClinGen allele CA2863675.